The following is an entry in ClinVar:

ClinVar aggregate classification (germline): Uncertain significance. Review status: criteria provided, multiple submitters, no conflicts (2 of 4 stars). 3 submissions from 3 submitters: Uncertain significance (3). Last evaluated 2026-10-06.

Conditions:
Inborn genetic diseases. Identifiers: MedGen C0950123, MeSH D030342.
Hydrocephalus, nonsyndromic, autosomal recessive 2. Also called: Hydrocephalus, congenital, 2, with or without brain or eye anomalies. Identifiers: Orphanet 2185, MedGen C3554691, MONDO:0014085, OMIM 615219.

Allele frequency attached by ClinVar (database versions not stated): ExAC 0.00027; 1000 Genomes Project 0.00040; 1000 Genomes Project 30x 0.00047; TOPMed 0.00022; ESP Exome Variant Server 0.00033.
gnomAD v4.1: 381 of 1,613,556 alleles (0.024%); highest among the groups gnomAD compares: South Asian, 0.083%; no homozygotes.

Submissions (3):

GeneDx
Classification: Uncertain significance. Last evaluated: 2026-10-06. Review status: criteria provided, single submitter. Criteria: GeneDx Variant Classification Process June 2021. Collection method: clinical testing. Allele origin: germline.
Comment: In silico analysis suggests that this missense variant does not alter protein structure/function; Has not been previously published as pathogenic or benign to our knowledge

Labcorp Genetics (formerly Invitae), Labcorp
Classification: Uncertain significance. Last evaluated: 2024-11-18. Review status: criteria provided, single submitter. Criteria: Invitae Variant Classification Sherloc (09022015). Collection method: clinical testing. Allele origin: germline.
Comment: This sequence change replaces isoleucine, which is neutral and non-polar, with threonine, which is neutral and polar, at codon 1050 of the MPDZ protein (p.Ile1050Thr). This variant is present in population databases (rs147599150, gnomAD 0.1%). This variant has not been reported in the literature in individuals affected with MPDZ-related conditions. ClinVar contains an entry for this variant (Variation ID: 1019668). An algorithm developed to predict the effect of missense changes on protein structure and function (PolyPhen-2) suggests that this variant¬†is likely to be tolerated. In summary, the available evidence is currently insufficient to determine the role of this variant in disease. Therefore, it has been classified as a Variant of Uncertain Significance.

Ambry Genetics
Classification: Uncertain significance for Inborn genetic diseases. Last evaluated: 2021-05-24. Review status: criteria provided, single submitter. Criteria: Ambry Variant Classification Scheme 2023. Collection method: clinical testing. Allele origin: germline.

NM_001378778.1(MPDZ):c.3149T>C (p.Ile1050Thr)

Gene: MPDZ (multiple PDZ domain crumbs cell polarity complex component; minus strand). Cytogenetic location: 9p23.
Variant type: single nucleotide variant.
Coding change: c.3149T>C on transcript NM_001378778.1 (MANE Select); coding-DNA position 3149, T replaced by C.
Protein change: p.Ile1050Thr; replaces isoleucine 1050 with threonine.
Molecular consequence: missense variant.
Genome position (GRCh38, 1-based): chr9:13,168,471, A>G on the plus strand (T>C on the coding strand, the complement: MPDZ is on the minus strand). VCF-style: chr9-13168471-A-G. GRCh37 (hg19) VCF-style: chr9-13168470-A-G.
Other names: c.3149T>C, p.Ile1050Thr (NM_001375424.1, NM_001375425.1, NM_001375426.1 and 14 more transcripts); c.3149T>C (NM_003829.4, NM_003829.3); short protein forms I1050T.
Identifiers: ClinVar variation 1019668 (VCV001019668.10), dbSNP rs147599150, ClinGen allele CA4987238.